The following is an entry in ClinVar:

NM_006059.4(LAMC3):c.2594-2A>G

Gene: LAMC3 (laminin subunit gamma 3; plus strand). Cytogenetic location: 9q34.12.
Variant type: single nucleotide variant.
Coding change: c.2594-2A>G on transcript NM_006059.4 (MANE Select); the canonical splice acceptor site of the intron before coding-DNA position 2594, A replaced by G.
Molecular consequence: splice acceptor variant.
Genome position (GRCh38, 1-based): chr9:131,068,076, A>G. VCF-style: chr9-131068076-A-G. GRCh37 (hg19) VCF-style: chr9-133943463-A-G.
Identifiers: ClinVar variation 1350142 (VCV001350142.8), dbSNP rs778619122, ClinGen allele CA5287513.

ClinVar aggregate classification (germline): Likely pathogenic (1 of 4 stars; one submission).

Allele frequency attached by ClinVar (database versions not stated): gnomAD exomes below 0.00001; ExAC 0.00001; gnomAD 0.00001; TOPMed 0.00001.
gnomAD v4.1: 4 of 1,609,984 alleles (0.00025%); highest among the groups gnomAD compares: Non-Finnish European, 0.00034%; no homozygotes.

Submission:

Labcorp Genetics (formerly Invitae), Labcorp
Classification: Likely pathogenic. Last evaluated: 2021-06-16. Review status: criteria provided, single submitter. Criteria: Invitae Variant Classification Sherloc (09022015). Collection method: clinical testing. Allele origin: germline.
Comment: This sequence change affects an acceptor splice site in intron 14 of the LAMC3 gene. It is expected to disrupt RNA splicing. Variants that disrupt the donor or acceptor splice site typically lead to a loss of protein function (PMID: 16199547), and loss-of-function variants in LAMC3 are known to be pathogenic (PMID: 21572413, 26802095). In summary, the currently available evidence indicates that the variant is pathogenic, but additional data are needed to prove that conclusively. Therefore, this variant has been classified as Likely Pathogenic. Algorithms developed to predict the effect of sequence changes on RNA splicing suggest that this variant may disrupt the consensus splice site, but this prediction has not been confirmed by published transcriptional studies. This variant has not been reported in the literature in individuals with LAMC3-related conditions. This variant is present in population databases (rs778619122, ExAC 0.002%).

Literature cited by the submitters: PubMed 16199547; PubMed 21572413; PubMed 26802095.